The following is an entry in ClinVar:

NM_000382.3(ALDH3A2):c.385+6G>A

Gene: ALDH3A2 (aldehyde dehydrogenase 3 family member A2; plus strand). Cytogenetic location: 17p11.2.
Variant type: single nucleotide variant.
Coding change: c.385+6G>A on transcript NM_000382.3 (MANE Select); 6 bases into the intron after coding-DNA position 385, G replaced by A.
Molecular consequence: intron variant.
Genome position (GRCh38, 1-based): chr17:19,651,784, G>A. VCF-style: chr17-19651784-G-A. GRCh37 (hg19) VCF-style: chr17-19555097-G-A.
Other names: c.-304+6G>A (NM_001369148.2); c.385+6G>A (NM_001369137.2, NM_001369138.2, NM_001369146.2 and 3 more transcripts).
Identifiers: ClinVar variation 2082627 (VCV002082627.1), dbSNP rs777747015, ClinGen allele CA8442787.

ClinVar aggregate classification (germline): Uncertain significance (1 of 4 stars; one submission).

Allele frequency attached by ClinVar (database versions not stated): gnomAD 0.00001; TOPMed 0.00001; ExAC 0.00002.

Submission:

Labcorp Genetics (formerly Invitae), Labcorp
Classification: Uncertain significance. Last evaluated: 2021-12-22. Review status: criteria provided, single submitter. Criteria: Invitae Variant Classification Sherloc (09022015). Collection method: clinical testing. Allele origin: germline.
Comment: This sequence change falls in intron 2 of the ALDH3A2 gene. It does not directly change the encoded amino acid sequence of the ALDH3A2 protein. It affects a nucleotide within the consensus splice site. This variant is present in population databases (rs777747015, gnomAD 0.003%). This variant has not been reported in the literature in individuals affected with ALDH3A2-related conditions. Variants that disrupt the consensus splice site are a relatively common cause of aberrant splicing (PMID: 17576681, 9536098). Algorithms developed to predict the effect of sequence changes on RNA splicing suggest that this variant is not likely to affect RNA splicing. In summary, the available evidence is currently insufficient to determine the role of this variant in disease. Therefore, it has been classified as a Variant of Uncertain Significance.

Literature cited by the submitters: PubMed 17576681; PubMed 9536098.